The following is an entry in ClinVar:

ClinVar aggregate classification (germline): Likely benign (0 of 4 stars; one submission).

Conditions:
LAMC1-related disorder. Also called: LAMC1-related condition.

Allele frequency attached by ClinVar (database versions not stated): ExAC 0.00004; gnomAD 0.00006; TOPMed 0.00009; gnomAD exomes 0.00011; 1000 Genomes Project 30x 0.00047; 1000 Genomes Project 0.00060.
gnomAD v4.1: 176 of 1,612,556 alleles (0.011%); highest among the groups gnomAD compares: Admixed American, 0.068%; no homozygotes.

Submission:

PreventionGenetics, part of Exact Sciences
Classification: Likely benign for LAMC1-related condition. Last evaluated: 2019-08-08. Review status: no assertion criteria provided. Collection method: clinical testing. Allele origin: germline.
Comment: This variant is classified as likely benign based on ACMG/AMP sequence variant interpretation guidelines (Richards et al. 2015 PMID: 25741868, with internal and published modifications).

NM_002293.4(LAMC1):c.873C>T (p.His291=)

Gene: LAMC1 (laminin subunit gamma 1; plus strand). Cytogenetic location: 1q25.3.
Variant type: single nucleotide variant.
Coding change: c.873C>T on transcript NM_002293.4 (MANE Select); coding-DNA position 873, C replaced by T.
Protein change: p.His291=; no amino-acid change (histidine 291 retained).
Molecular consequence: synonymous variant.
Genome position (GRCh38, 1-based): chr1:183,110,506, C>T. VCF-style: chr1-183110506-C-T. GRCh37 (hg19) VCF-style: chr1-183079641-C-T.
Identifiers: ClinVar variation 3035424 (VCV003035424.2), dbSNP rs200082241, ClinGen allele CA1280942.